The following is an entry in ClinVar:

ClinVar aggregate classification (germline): Likely benign (1 of 4 stars; one submission).

Allele frequency attached by ClinVar (database versions not stated): TOPMed 0.00006; gnomAD 0.00040; 1000 Genomes Project 0.00419; 1000 Genomes Project 30x 0.00422.

Submission:

CeGaT Center for Human Genetics Tuebingen
Classification: Likely benign. Last evaluated: 2025-01-01. Review status: criteria provided, single submitter. Criteria: CeGaT Center For Human Genetics Tuebingen Variant Classification Criteria Version 2. Collection method: clinical testing. Allele origin: germline. Affected: yes. Observed: 2 variant alleles.
Comment: SLC12A6: BS1

NM_001365088.1(SLC12A6):c.*1382T>A

Gene: SLC12A6 (solute carrier family 12 member 6; minus strand). Cytogenetic location: 15q14.
Variant type: single nucleotide variant.
Coding change: c.*1382T>A on transcript NM_001365088.1 (MANE Select); 1382 bases downstream of the stop codon, T replaced by A.
Molecular consequence: 3 prime UTR variant.
Genome position (GRCh38, 1-based): chr15:34,232,499, A>T on the plus strand (T>A on the coding strand, the complement: SLC12A6 is on the minus strand). VCF-style: chr15-34232499-A-T. GRCh37 (hg19) VCF-style: chr15-34524700-A-T.
Other names: c.*1382T>A (NM_001042494.2, NM_001042495.2, NM_001042496.2 and 3 more transcripts).
Identifiers: ClinVar variation 3067559 (VCV003067559.21), dbSNP rs556078304, ClinGen allele CA268652298.